The following is an entry in ClinVar:

NM_005188.4(CBL):c.1583A>C (p.His528Pro)

Gene: CBL (Cbl proto-oncogene; plus strand). Cytogenetic location: 11q23.3.
Variant type: single nucleotide variant.
Coding change: c.1583A>C on transcript NM_005188.4 (MANE Select); coding-DNA position 1583, A replaced by C.
Protein change: p.His528Pro; replaces histidine 528 with proline.
Molecular consequence: missense variant.
Genome position (GRCh38, 1-based): chr11:119,285,208, A>C. VCF-style: chr11-119285208-A-C. GRCh37 (hg19) VCF-style: chr11-119155918-A-C.
Other names: short protein forms H528P.
Identifiers: ClinVar variation 4868239 (VCV004868239.1).

ClinVar aggregate classification (germline): Uncertain significance (1 of 4 stars; one submission).

Conditions:
Cardiovascular phenotype. Identifiers: MedGen CN230736.

Submission:

Ambry Genetics
Classification: Uncertain significance for Cardiovascular phenotype. Last evaluated: 2026-04-25. Review status: criteria provided, single submitter. Criteria: Ambry Variant Classification Scheme 2023. Collection method: clinical testing. Allele origin: germline.
Comment: The p.H528P variant (also known as c.1583A>C), located in coding exon 11 of the CBL gene, results from an A to C substitution at nucleotide position 1583. The histidine at codon 528 is replaced by proline, an amino acid with similar properties. This amino acid position is conserved. In addition, the in silico prediction for this alteration is inconclusive. Based on the available evidence, the clinical significance of this variant remains unclear.